The following is an entry in ClinVar:

ClinVar aggregate classification (germline): Uncertain significance (1 of 4 stars; one submission).

Conditions:
Methylmalonic acidemia with homocystinuria, type cblX (MAHCX). Also called: INTELLECTUAL DEVELOPMENTAL DISORDER, X-LINKED 3. Identifiers: Orphanet 369962, MedGen C0796208, MONDO:0010657, OMIM 309541.

Submission:

Juno Genomics, Hangzhou Juno Genomics, Inc
Classification: Uncertain significance for Methylmalonic acidemia with homocystinuria, type cblX. Review status: criteria provided, single submitter. Criteria: ACMG Guidelines, 2015. Collection method: clinical testing. Allele origin: germline.
Comment: Protein length changes due to in-frame deletions/insertions in a non-repeat region or stop-loss variants.;Absent from controls (or at extremely low frequency if recessive) in Genome Aggregation Database.

NM_005334.3(HCFC1):c.6076_6078del (p.Ala2026del)

Gene: HCFC1 (host cell factor C1; minus strand). Cytogenetic location: Xq28.
Variant type: Deletion.
Coding change: c.6076_6078del on transcript NM_005334.3 (MANE Select); coding-DNA positions 6076 to 6078, 3 bases deleted (GCT; older notation c.6076_6078delGCT).
Protein change: p.Ala2026del; deletes alanine 2026.
Molecular consequence: inframe deletion.
Genome position (GRCh38, 1-based): chrX:153,949,377-153,949,379, AGC deleted on the plus strand (GCT on the coding strand, the reverse complement: HCFC1 is on the minus strand); deleting any 3 consecutive bases within chrX:153,949,377-153,949,381 gives the same sequence; the c. name uses the placement nearest the transcript's 3' end. VCF-style (leftmost placement, unchanged base first): chrX-153949376-GAGC-G. GRCh37 (hg19) VCF-style: chrX-153214827-GAGC-G.
Other names: c.6217_6219del, p.Ala2073del (NM_001440843.1); c.6208_6210del, p.Ala2070del (NM_001440844.1, NM_001440845.1); c.6205_6207del, p.Ala2069del (NM_001440846.1); c.6088_6090del, p.Ala2030del (NM_001440847.1); c.6085_6087del, p.Ala2029del (NM_001440848.1); c.6079_6081del, p.Ala2027del (NM_001440849.1); c.6010_6012del, p.Ala2004del (NM_001440850.1); c.5878_5880del, p.Ala1960del (NM_001440851.1); and 1 more; short protein forms A2026del, A2027del, A2069del, A2070del, A2029del, A2030del, A2071del, A1960del.
Identifiers: ClinVar variation 5007525 (VCV005007525.2).